The following is an entry in ClinVar:

NM_006767.4(LZTR1):c.136G>T (p.Gly46Trp)

Gene: LZTR1 (leucine zipper like post translational regulator 1; plus strand). Cytogenetic location: 22q11.21.
Variant type: single nucleotide variant.
Coding change: c.136G>T on transcript NM_006767.4 (MANE Select); coding-DNA position 136, G replaced by T.
Protein change: p.Gly46Trp; replaces glycine 46 with tryptophan.
Molecular consequence: missense variant.
Genome position (GRCh38, 1-based): chr22:20,982,507, G>T. VCF-style: chr22-20982507-G-T. GRCh37 (hg19) VCF-style: chr22-21336796-G-T.
Other names: c.136G>T (NM_006767.3); short protein forms G46W.
Identifiers: ClinVar variation 1373275 (VCV001373275.7), dbSNP rs1273423585, ClinGen allele CA410777885.
Genomic context (GRCh38, chr22:20,982,507, plus strand): 5'-CCGAGCGTGGACTTCGACCATAGCTGCTCGGACAGTGTCGAGTACCTGACGCTCAACTTC[G>T]GGCCCTTCGAAACAGTGCATCGCTGGCGGCGCCTCCCGCCCTGCGACGAGTTCGTGGGTG-3'
Protein context (NP_006758.2, residues 36-56): DSVEYLTLNF[Gly46Trp]PFETVHRWRR

ClinVar aggregate classification (germline): Uncertain significance. Review status: criteria provided, multiple submitters, no conflicts (2 of 4 stars). 2 submissions from 2 submitters: Uncertain significance (2). Last evaluated 2025-03-28.

Conditions:
Hereditary cancer-predisposing syndrome. Also called: Neoplastic Syndromes, Hereditary; Tumor predisposition; Hereditary neoplastic syndrome; Hereditary Cancer Syndrome. Identifiers: Orphanet 140162, MedGen C0027672, MeSH D009386, MONDO:0015356.
Cardiovascular phenotype. Identifiers: MedGen CN230736.

Submissions (2):

Ambry Genetics
Classification: Uncertain significance for Cardiovascular phenotype; Hereditary cancer-predisposing syndrome. Last evaluated: 2025-03-28. Review status: criteria provided, single submitter. Criteria: Ambry Variant Classification Scheme 2023. Collection method: clinical testing. Allele origin: germline.
Comment: The p.G46W variant (also known as c.136G>T), located in coding exon 1 of the LZTR1 gene, results from a G to T substitution at nucleotide position 136. The glycine at codon 46 is replaced by tryptophan, an amino acid with highly dissimilar properties. This amino acid position is conserved. In addition, this alteration is predicted to be deleterious by in silico analysis. Based on the available evidence, the clinical significance of this variant remains unclear.

Labcorp Genetics (formerly Invitae), Labcorp
Classification: Uncertain significance. Last evaluated: 2024-05-21. Review status: criteria provided, single submitter. Criteria: Invitae Variant Classification Sherloc (09022015). Collection method: clinical testing. Allele origin: germline.
Comment: This sequence change replaces glycine, which is neutral and non-polar, with tryptophan, which is neutral and slightly polar, at codon 46 of the LZTR1 protein (p.Gly46Trp). This variant is not present in population databases (gnomAD no frequency). This variant has not been reported in the literature in individuals affected with LZTR1-related conditions. ClinVar contains an entry for this variant (Variation ID: 1373275). Advanced modeling of protein sequence and biophysical properties (such as structural, functional, and spatial information, amino acid conservation, physicochemical variation, residue mobility, and thermodynamic stability) performed at Invitae indicates that this missense variant is not expected to disrupt LZTR1 protein function with a negative predictive value of 80%. In summary, the available evidence is currently insufficient to determine the role of this variant in disease. Therefore, it has been classified as a Variant of Uncertain Significance.